The following is an entry in ClinVar:

NM_001378778.1(MPDZ):c.4384-3C>G

Gene: MPDZ (multiple PDZ domain crumbs cell polarity complex component; minus strand). Cytogenetic location: 9p23.
Variant type: single nucleotide variant.
Coding change: c.4384-3C>G on transcript NM_001378778.1 (MANE Select); 3 bases into the intron before coding-DNA position 4384, C replaced by G.
Molecular consequence: intron variant.
Genome position (GRCh38, 1-based): chr9:13,133,907, G>C on the plus strand (C>G on the coding strand, the complement: MPDZ is on the minus strand). VCF-style: chr9-13133907-G-C. GRCh37 (hg19) VCF-style: chr9-13133906-G-C.
Other names: c.4174-3C>G (NM_001375425.1, NM_001375420.1, NM_001375423.1 and 4 more transcripts); c.4285-3C>G (NM_001375419.1, NM_001375416.1, NM_001375418.1 and 3 more transcripts); c.4384-3C>G (NM_001330637.2, NM_003829.5); c.3976-3C>G (NM_001375427.1); c.4483-3C>G (NM_001375413.1).
Identifiers: ClinVar variation 3674979 (VCV003674979.2).
Genomic context (GRCh38, chr9:13,133,907, plus strand): 5'-CATTTTTAAATGAACTGAGGTCCACAGCTGCATCAGAAGTAGTAACAGTTGGCTCTGTCT[G>C]ACAGAGGGAAAGAAATGACAAAAAGAGCAACTGAGTGTTAGGAAATTTGATTTGTTTAAA-3'

ClinVar aggregate classification (germline): Uncertain significance (1 of 4 stars; one submission).

Submission:

Labcorp Genetics (formerly Invitae), Labcorp
Classification: Uncertain significance. Last evaluated: 2024-02-15. Review status: criteria provided, single submitter. Criteria: Invitae Variant Classification Sherloc (09022015). Collection method: clinical testing. Allele origin: germline.
Comment: This sequence change falls in intron 31 of the MPDZ gene. It does not directly change the encoded amino acid sequence of the MPDZ protein. It affects a nucleotide within the consensus splice site. This variant is not present in population databases (gnomAD no frequency). This variant has not been reported in the literature in individuals affected with MPDZ-related conditions. Variants that disrupt the consensus splice site are a relatively common cause of aberrant splicing (PMID: 17576681, 9536098). Algorithms developed to predict the effect of sequence changes on RNA splicing suggest that this variant may disrupt the consensus splice site. In summary, the available evidence is currently insufficient to determine the role of this variant in disease. Therefore, it has been classified as a Variant of Uncertain Significance.

Literature cited by the submitters: PubMed 17576681; PubMed 9536098.